The following is an entry in ClinVar:

ClinVar aggregate classification (germline): Likely benign. Review status: criteria provided, multiple submitters, no conflicts (2 of 4 stars). 4 submissions from 4 submitters: Likely benign (3). 1 of the submissions does not count toward it. Last evaluated 2025-10-21.

Conditions:
SOS1-related disorder. Also called: SOS1-related condition.
Cardiovascular phenotype. Identifiers: MedGen CN230736.
RASopathy. Also called: rasopathies; Noonan spectrum disorder. Identifiers: Orphanet 536391, MedGen C5555857, MONDO:0021060.

Allele frequency attached by ClinVar (database versions not stated): gnomAD exomes 0.00001; TOPMed 0.00001; gnomAD 0.00002.

Submissions (4):

Labcorp Genetics (formerly Invitae), Labcorp
Classification: Likely benign for RASopathy. Last evaluated: 2025-10-21. Review status: criteria provided, single submitter. Criteria: Invitae Variant Classification Sherloc (09022015). Collection method: clinical testing. Allele origin: germline.

Ambry Genetics
Classification: Likely benign for Cardiovascular phenotype. Last evaluated: 2025-04-12. Review status: criteria provided, single submitter. Criteria: Ambry Variant Classification Scheme 2023. Collection method: clinical testing. Allele origin: germline.

Women's Health and Genetics/Laboratory Corporation of America, LabCorp
Classification: Likely benign. Last evaluated: 2020-02-29. Review status: criteria provided, single submitter. Criteria: LabCorp Variant Classification Summary - May 2015. Collection method: clinical testing. Allele origin: germline.

PreventionGenetics, part of Exact Sciences
Classification: Likely benign for SOS1-related condition. Last evaluated: 2022-01-07. Review status: no assertion criteria provided. Collection method: clinical testing. Allele origin: germline. Not counted in ClinVar's aggregate classification.
Comment: This variant is classified as likely benign based on ACMG/AMP sequence variant interpretation guidelines (Richards et al. 2015 PMID: 25741868, with internal and published modifications).

NM_005633.4(SOS1):c.1008A>G (p.Gln336=)

Gene: SOS1 (SOS Ras/Rac guanine nucleotide exchange factor 1; minus strand). Cytogenetic location: 2p22.1.
Variant type: single nucleotide variant.
Coding change: c.1008A>G on transcript NM_005633.4 (MANE Select); coding-DNA position 1008, A replaced by G.
Protein change: p.Gln336=; no amino-acid change (glutamine 336 retained).
Molecular consequence: synonymous variant.
Genome position (GRCh38, 1-based): chr2:39,035,278, T>C on the plus strand (A>G on the coding strand, the complement: SOS1 is on the minus strand). VCF-style: chr2-39035278-T-C. GRCh37 (hg19) VCF-style: chr2-39262419-T-C.
Other names: c.987A>G, p.Gln329= (NM_001382394.1); c.1008A>G, p.Gln336= (NM_001382395.1).
Identifiers: ClinVar variation 664802 (VCV000664802.12), dbSNP rs1320092319, ClinGen allele CA425731896.
Genomic context (GRCh38, chr2:39,035,278, plus strand): 5'-AAGTTCAAAGTAATGGAGACAGTGGTAAACAGGGGCCAGAAGCAGCCTGGGTAAAACATA[T>C]TGAACAGCTTCTTTGAAACCTTCGCCTATTGACTGGAAAAAAAAGTGATTTAATTTTTTT-3'
Protein context (NP_005624.2, residues 326-346): SIGEGFKEAV[Gln336=]YVLPRLLLAP